The following is an entry in ClinVar:

NM_000256.3(MYBPC3):c.1765C>A (p.Arg589Ser)

Gene: MYBPC3 (myosin binding protein C3; minus strand). Cytogenetic location: 11p11.2.
Variant type: single nucleotide variant.
Coding change: c.1765C>A on transcript NM_000256.3 (MANE Select); coding-DNA position 1765, C replaced by A.
Protein change: p.Arg589Ser; replaces arginine 589 with serine.
Molecular consequence: missense variant.
Genome position (GRCh38, 1-based): chr11:47,342,016, G>T on the plus strand (C>A on the coding strand, the complement: MYBPC3 is on the minus strand). VCF-style: chr11-47342016-G-T. GRCh37 (hg19) VCF-style: chr11-47363567-G-T.
Other names: short protein forms R589S.
Identifiers: ClinVar variation 3400410 (VCV003400410.1).

ClinVar aggregate classification (germline): Uncertain significance (1 of 4 stars; one submission).

Conditions:
Cardiovascular phenotype. Identifiers: MedGen CN230736.

Submission:

Ambry Genetics
Classification: Uncertain significance for Cardiovascular phenotype. Last evaluated: 2024-07-24. Review status: criteria provided, single submitter. Criteria: Ambry Variant Classification Scheme 2023. Collection method: clinical testing. Allele origin: germline.
Comment: The p.R589S variant (also known as c.1765C>A), located in coding exon 18 of the MYBPC3 gene, results from a C to A substitution at nucleotide position 1765. The arginine at codon 589 is replaced by serine, an amino acid with dissimilar properties. This variant was reported in an individual with features consistent with hypertrophic cardiomyopathy (Rupp S et al. Clin Res Cardiol, 2019 Mar;108:282-289). This amino acid position is highly conserved in available vertebrate species. In addition, this alteration is predicted to be deleterious by in silico analysis. Based on the available evidence, the clinical significance of this variant remains unclear.

Literature cited by the submitters: PubMed 30105547.